The following continues an entry in ClinVar:

NM_000138.5(FBN1):c.6577G>A (p.Glu2193Lys)

Gene: FBN1. ClinVar aggregate classification (germline): Conflicting classifications of pathogenicity. Uncertain significance (16); Benign (1); Likely benign (1).

Submissions 10 to 19 of 19:

GeneDx
Classification: Uncertain significance. Last evaluated: 2020-05-22. Review status: criteria provided, single submitter. Criteria: GeneDx Variant Classification Process June 2021. Collection method: clinical testing. Allele origin: germline. Affected: yes.
Comment: In silico analysis, which includes protein predictors and evolutionary conservation, supports that this variant does not alter protein structure/function; Although located in a calcium-binding EGF-like domain of the FBN1 gene, it does not affect a cysteine residue within this domain; cysteine substitutions in the calcium-binding EGF-like domains represent the majority of pathogenic missense changes associated with FBN1-related disorders (Collod-Beroud et al., 2003); Reported in ClinVar (ClinVar Variant ID# 255306; Landrum et al., 2016); This variant is associated with the following publications: (PMID: 28655553, 27582083)

CHEO Genetics Diagnostic Laboratory, Children's Hospital of Eastern Ontario
Classification: Uncertain significance for Familial thoracic aortic aneurysm and aortic dissection. Last evaluated: 2018-03-08. Review status: criteria provided, single submitter. Criteria: ACMG Guidelines, 2015. Collection method: clinical testing. Allele origin: germline.

Illumina Laboratory Services, Illumina
Classification: Uncertain significance for Familial thoracic aortic aneurysm and aortic dissection. Last evaluated: 2017-04-27. Review status: criteria provided, single submitter. Criteria: ICSL Variant Classification Criteria 13 December 2019. Collection method: clinical testing. Allele origin: germline.

Illumina Laboratory Services, Illumina
Classification: Uncertain significance for Acromicric dysplasia. Last evaluated: 2017-04-27. Review status: criteria provided, single submitter. Criteria: ICSL Variant Classification Criteria 13 December 2019. Collection method: clinical testing. Allele origin: germline.

Illumina Laboratory Services, Illumina
Classification: Uncertain significance for Ectopia lentis 1, isolated, autosomal dominant. Last evaluated: 2017-04-27. Review status: criteria provided, single submitter. Criteria: ICSL Variant Classification Criteria 13 December 2019. Collection method: clinical testing. Allele origin: germline.

Illumina Laboratory Services, Illumina
Classification: Uncertain significance for Weill-Marchesani syndrome. Last evaluated: 2017-04-27. Review status: criteria provided, single submitter. Criteria: ICSL Variant Classification Criteria 13 December 2019. Collection method: clinical testing. Allele origin: germline.

Illumina Laboratory Services, Illumina
Classification: Uncertain significance for Marfan syndrome. Last evaluated: 2017-04-27. Review status: criteria provided, single submitter. Criteria: ICSL Variant Classification Criteria 13 December 2019. Collection method: clinical testing. Allele origin: germline.

Illumina Laboratory Services, Illumina
Classification: Uncertain significance for Stiff skin syndrome. Last evaluated: 2017-04-27. Review status: criteria provided, single submitter. Criteria: ICSL Variant Classification Criteria 13 December 2019. Collection method: clinical testing. Allele origin: germline.

PreventionGenetics, part of Exact Sciences
Classification: Likely benign. Review status: criteria provided, single submitter. Criteria: ACMG Guidelines, 2015. Collection method: clinical testing. Allele origin: germline.

Center for Medical Genetics Ghent, University of Ghent
Classification: Uncertain significance for Marfan syndrome. Last evaluated: 2017-11-07. Review status: no assertion criteria provided. Collection method: clinical testing. Allele origin: germline. Affected: yes. Not counted in ClinVar's aggregate classification.

Literature cited by the submitters: PubMed 27582083 (cited by 4 submitters); PubMed 28655553 (cited by 4 submitters); PubMed 12938084 (cited by All of Us Research Program, National Institutes of Health and Color Diagnostics, LLC DBA Color Health).